The following is an entry in ClinVar:

NM_001267550.2(TTN):c.89411T>G (p.Val29804Gly)

Genes: TTN (titin; minus strand), TTN-AS1 (TTN antisense RNA 1; plus strand). Cytogenetic location: 2q31.2.
Variant type: single nucleotide variant.
Coding change: c.89411T>G on transcript NM_001267550.2 (MANE Select); coding-DNA position 89411, T replaced by G.
Protein change: p.Val29804Gly; replaces valine 29804 with glycine.
Molecular consequence: missense variant.
Genome position (GRCh38, 1-based): chr2:178,553,594, A>C on the plus strand (T>G on the coding strand, the complement: TTN is on the minus strand). VCF-style: chr2-178553594-A-C. GRCh37 (hg19) VCF-style: chr2-179418321-A-C.
Other names: p.V28163G:GTC>GGC; c.84488T>G, p.Val28163Gly (NM_001256850.1); c.62216T>G, p.Val20739Gly (NM_003319.4); c.81707T>G, p.Val27236Gly (NM_133378.4); c.62591T>G, p.Val20864Gly (NM_133432.3); c.62792T>G, p.Val20931Gly (NM_133437.4); short protein forms V28163G, V29804G, V27236G, V20739G, V20864G, V20931G.
Identifiers: ClinVar variation 202957 (VCV000202957.2), dbSNP rs776305807, ClinGen allele CA310805.

ClinVar aggregate classification (germline): Uncertain significance (1 of 4 stars; one submission).

Allele frequency attached by ClinVar (database versions not stated): TOPMed 0.00001.
gnomAD v4.1: 4 of 1,613,778 alleles (0.00025%); highest among the groups gnomAD compares: African/African-American, 0.004%; no homozygotes.

Submission:

GeneDx
Classification: Uncertain significance. Last evaluated: 2014-02-12. Review status: criteria provided, single submitter. Criteria: GeneDx Variant Classification (06012015). Collection method: clinical testing. Allele origin: germline. Affected: yes.
Comment: Missense variants in the TTN gene are considered 'unclassified' if they are not previously reported in the literature and do not have >1% frequency in the population to be considered a polymorphism. Research indicates that truncating mutations in the TTN gene are expected to account for approximately 25% of familial and 18% of sporadic idiopathic DCM; however, truncating variants in the TTN gene have been reported in approximately 3% of reported control alleles. There has been little investigation into non-truncating variants. (Herman D et al. Truncations of titin causing dilated cardiomyopathy. N Eng J Med 366:619-628, 2012) The variant is found in DCM-CRDM panel(s).